The following is an entry in ClinVar:

ClinVar aggregate classification (germline): Benign (1 of 4 stars; one submission).

Conditions:
Leigh syndrome (NULS). Also called: Leigh's necrotizing encephalopathy; Leigh's disease; Leigh Syndrome (mtDNA deletion); Leigh Disease; Subacute necrotizing encephalopathy; Necrotizing encephalopathy infantile subacute of Leigh. Identifiers: Orphanet 506, MedGen C2931891, MONDO:0009723, OMIM 256000.

Submission:

Wong Mito Lab, Molecular and Human Genetics, Baylor College of Medicine
Classification: Benign for Leigh syndrome. Last evaluated: 2019-10-17. Review status: criteria provided, single submitter. Criteria: Modified ACMG Guidelines (Unpublished). Collection method: clinical testing. Allele origin: germline.
Comment: The NC_012920.1:m.4965A>G (YP_003024027.1:p.Ser166Gly) variant in MTND2 gene is interpretated to be a Benign variant based on the modified ACMG guidelines (unpublished). This variant meets the following evidence codes: BS1, BS4. BP4

NC_012920.1(MT-ND2):m.4965A>G

Gene: MT-ND2 (mitochondrially encoded NADH dehydrogenase 2; plus strand).
Variant type: single nucleotide variant.
Genome position: chrM-4965-A-G.
Identifiers: ClinVar variation 692531 (VCV000692531.1), dbSNP rs879150535, ClinGen allele CA337097008.